The following is an entry in ClinVar:

ClinVar aggregate classification (germline): Benign/Likely benign. Review status: criteria provided, multiple submitters, no conflicts (2 of 4 stars). 3 submissions from 3 submitters: Benign (1); Likely benign (2). Last evaluated 2025-12-28.

Conditions:
Supravalvar aortic stenosis (SVAS). Also called: Supravalvar aortic stenosis, Eisenberg type. Identifiers: Orphanet 3193, MedGen C0003499, MONDO:0008504, OMIM 185500, HP:0004381.

Allele frequency attached by ClinVar (database versions not stated): gnomAD below 0.00001 and 0.00018; TOPMed 0.00003; gnomAD exomes 0.00033 and 0.00065; ExAC 0.00073; 1000 Genomes Project 30x 0.00156; 1000 Genomes Project 0.00160.
gnomAD v4.1: 508 of 1,613,898 alleles (0.031%); highest among the groups gnomAD compares: South Asian, 0.53%; 5 homozygotes.

Submissions (3):

Labcorp Genetics (formerly Invitae), Labcorp
Classification: Benign for Supravalvar aortic stenosis. Last evaluated: 2025-12-28. Review status: criteria provided, single submitter. Criteria: Invitae Variant Classification Sherloc (09022015). Collection method: clinical testing. Allele origin: germline.

Blueprint Genetics
Classification: Likely benign. Last evaluated: 2024-11-27. Review status: criteria provided, single submitter. Criteria: ACMG Guidelines, 2015. Collection method: clinical testing. Allele origin: germline.

GeneDx
Classification: Likely benign. Last evaluated: 2017-12-27. Review status: criteria provided, single submitter. Criteria: GeneDx Variant Classification (06012015). Collection method: clinical testing. Allele origin: germline. Affected: yes.
Comment: This variant is considered likely benign or benign based on one or more of the following criteria: it is a conservative change, it occurs at a poorly conserved position in the protein, it is predicted to be benign by multiple in silico algorithms, and/or has population frequency not consistent with disease.

NM_000501.4(ELN):c.134-19T>C

Gene: ELN (elastin; plus strand). Cytogenetic location: 7q11.23.
Variant type: single nucleotide variant.
Coding change: c.134-19T>C on transcript NM_000501.4 (MANE Select); 19 bases into the intron before coding-DNA position 134, T replaced by C.
Molecular consequence: intron variant.
Genome position (GRCh38, 1-based): chr7:74,036,536, T>C. VCF-style: chr7-74036536-T-C. GRCh37 (hg19) VCF-style: chr7-73450866-T-C.
Other names: c.134-19T>C (NM_001081754.3, NM_001081753.3, NM_001278939.2 and 5 more transcripts); c.133+1122T>C (NM_001278914.2, NM_001278917.2, NM_001081752.3 and 1 more transcripts).
Identifiers: ClinVar variation 514297 (VCV000514297.8), dbSNP rs535249280, ClinGen allele CA4292305.
Genomic context (GRCh38, chr7:74,036,536, plus strand): 5'-CAGCCATAGCTGGGGGTGGCAGCGGGCTTGCCTGGCAGAAGTACCGATGATCTCTCTTTC[T>C]CTTTCTCTCCCCCCACAGGGGCTGGTCTCGGAGCCCTTGGAGGAGGAGGTGAGCTCAGAA-3'